The following is an entry in ClinVar:

NM_177438.3(DICER1):c.308-17A>G

Gene: DICER1 (dicer 1, ribonuclease III; minus strand). Cytogenetic location: 14q32.13.
Variant type: single nucleotide variant.
Coding change: c.308-17A>G on transcript NM_177438.3 (MANE Select); 17 bases into the intron before coding-DNA position 308, A replaced by G.
Molecular consequence: intron variant.
Genome position (GRCh38, 1-based): chr14:95,131,656, T>C on the plus strand (A>G on the coding strand, the complement: DICER1 is on the minus strand). VCF-style: chr14-95131656-T-C. GRCh37 (hg19) VCF-style: chr14-95597993-T-C.
Other names: c.308-17A>G (NM_001291628.2, NM_030621.4, NM_001271282.3 and 1 more transcripts).
Identifiers: ClinVar variation 1540751 (VCV001540751.10), dbSNP rs1159625362, ClinGen allele CA615847045.

ClinVar aggregate classification (germline): Likely benign. Review status: criteria provided, multiple submitters, no conflicts (2 of 4 stars). 2 submissions from 2 submitters: Likely benign (2). Last evaluated 2026-04-10.

Conditions:
DICER1-related tumor predisposition. Also called: DICER1-related pleuropulmonary blastoma cancer predisposition syndrome; DICER1 syndrome. Identifiers: Orphanet 284343, MedGen C3839822, MONDO:0100216.

Allele frequency attached by ClinVar (database versions not stated): gnomAD exomes below 0.00001 and 0.00001; TOPMed 0.00003; gnomAD 0.00004 and 0.00003.
gnomAD v4.1: 17 of 1,611,466 alleles (0.0011%); highest among the groups gnomAD compares: African/African-American, 0.0093%; no homozygotes.

Submissions (2):

Myriad Genetics, Inc.
Classification: Likely benign for DICER1-related tumor predisposition. Last evaluated: 2026-04-10. Review status: criteria provided, single submitter. Criteria: Myriad Autosomal Dominant, Autosomal Recessive and X-Linked Classification Criteria (2023). Collection method: clinical testing. Allele origin: unknown.
Comment: This variant is considered likely benign. This variant is intronic and is not expected to impact mRNA splicing.

Labcorp Genetics (formerly Invitae), Labcorp
Classification: Likely benign for DICER1-related tumor predisposition. Last evaluated: 2025-12-12. Review status: criteria provided, single submitter. Criteria: Invitae Variant Classification Sherloc (09022015). Collection method: clinical testing. Allele origin: germline.